The following is an entry in ClinVar:

NM_015967.8(PTPN22):c.788G>A (p.Arg263Gln)

Genes: AP4B1-AS1 (AP4B1 antisense RNA 1; plus strand), PTPN22 (protein tyrosine phosphatase non-receptor type 22; minus strand). Cytogenetic location: 1p13.2.
Variant type: single nucleotide variant.
Coding change: c.788G>A on transcript NM_015967.8 (MANE Select); coding-DNA position 788, G replaced by A.
Protein change: p.Arg263Gln; replaces arginine 263 with glutamine.
Molecular consequence: missense variant. On other transcripts: intron variant (1).
Genome position (GRCh38, 1-based): chr1:113,852,067, C>T on the plus strand (G>A on the coding strand, the complement: PTPN22 is on the minus strand). VCF-style: chr1-113852067-C-T. GRCh37 (hg19) VCF-style: chr1-114394689-C-T.
Other names: NC_000001.10:g.114394689C>T; c.788G>A, p.Arg263Gln (NM_001193431.3); c.716G>A, p.Arg239Gln (NM_001308297.2); c.750+2404G>A (NM_012411.6); short protein forms R239Q, R263Q.
Identifiers: ClinVar variation 3353083 (VCV003353083.2).

ClinVar aggregate classification (germline): Benign (0 of 4 stars; one submission).

Conditions:
PTPN22-related disorder. Also called: PTPN22-related condition.

Submissions (40):

PreventionGenetics, part of Exact Sciences
Classification: Benign for PTPN22-related condition. Last evaluated: 2024-08-02. Review status: no assertion criteria provided. Collection method: clinical testing. Allele origin: germline.
Comment: This variant is classified as benign based on ACMG/AMP sequence variant interpretation guidelines (Richards et al. 2015 PMID: 25741868, with internal and published modifications).

Dr. Peter K. Rogan Lab, Western University
No classification provided (evidence only). Condition: Lung cancer. Review status: no classification provided. Collection method: in vitro. Allele origin: not applicable. Functional consequence: retained intron. Not counted in ClinVar's aggregate classification.

Dr. Peter K. Rogan Lab, Western University
No classification provided (evidence only). Condition: Acute myeloid leukemia. Review status: no classification provided. Collection method: in vitro. Allele origin: not applicable. Functional consequence: retained intron. Not counted in ClinVar's aggregate classification.

Dr. Peter K. Rogan Lab, Western University
No classification provided (evidence only). Condition: Acute myeloid leukemia. Review status: no classification provided. Collection method: in vitro. Allele origin: not applicable. Functional consequence: retained intron. Not counted in ClinVar's aggregate classification.

Dr. Peter K. Rogan Lab, Western University
No classification provided (evidence only). Condition: Cervical cancer. Review status: no classification provided. Collection method: in vitro. Allele origin: not applicable. Functional consequence: skipped exon, retained intron. Not counted in ClinVar's aggregate classification.

Dr. Peter K. Rogan Lab, Western University
No classification provided (evidence only). Condition: Sarcoma. Review status: no classification provided. Collection method: in vitro. Allele origin: not applicable. Functional consequence: retained intron. Not counted in ClinVar's aggregate classification.

Dr. Peter K. Rogan Lab, Western University
No classification provided (evidence only). Condition: Cholangiocarcinoma. Review status: no classification provided. Collection method: in vitro. Allele origin: not applicable. Functional consequence: retained intron. Not counted in ClinVar's aggregate classification.

Dr. Peter K. Rogan Lab, Western University
No classification provided (evidence only). Condition: Ovarian serous cystadenocarcinoma. Review status: no classification provided. Collection method: in vitro. Allele origin: not applicable. Functional consequence: retained intron. Not counted in ClinVar's aggregate classification.

Dr. Peter K. Rogan Lab, Western University
No classification provided (evidence only). Condition: Gastric cancer. Review status: no classification provided. Collection method: in vitro. Allele origin: not applicable. Functional consequence: retained intron. Not counted in ClinVar's aggregate classification.

Dr. Peter K. Rogan Lab, Western University
No classification provided (evidence only). Condition: Gastric cancer. Review status: no classification provided. Collection method: in vitro. Allele origin: not applicable. Functional consequence: retained intron. Not counted in ClinVar's aggregate classification.

Dr. Peter K. Rogan Lab, Western University
No classification provided (evidence only). Condition: Lung cancer. Review status: no classification provided. Collection method: in vitro. Allele origin: not applicable. Functional consequence: retained intron. Not counted in ClinVar's aggregate classification.

Dr. Peter K. Rogan Lab, Western University
No classification provided (evidence only). Condition: Lung cancer. Review status: no classification provided. Collection method: in vitro. Allele origin: not applicable. Functional consequence: skipped exon. Not counted in ClinVar's aggregate classification.

Dr. Peter K. Rogan Lab, Western University
No classification provided (evidence only). Condition: Acute myeloid leukemia. Review status: no classification provided. Collection method: in vitro. Allele origin: not applicable. Functional consequence: retained intron. Not counted in ClinVar's aggregate classification.

Dr. Peter K. Rogan Lab, Western University
No classification provided (evidence only). Condition: Acute myeloid leukemia. Review status: no classification provided. Collection method: in vitro. Allele origin: not applicable. Functional consequence: skipped exon, retained intron. Not counted in ClinVar's aggregate classification.

Dr. Peter K. Rogan Lab, Western University
No classification provided (evidence only). Condition: Colorectal cancer. Review status: no classification provided. Collection method: in vitro. Allele origin: not applicable. Functional consequence: retained intron. Not counted in ClinVar's aggregate classification.

Dr. Peter K. Rogan Lab, Western University
No classification provided (evidence only). Condition: Thymoma. Review status: no classification provided. Collection method: in vitro. Allele origin: not applicable. Functional consequence: skipped exon, retained intron. Not counted in ClinVar's aggregate classification.

Dr. Peter K. Rogan Lab, Western University
No classification provided (evidence only). Condition: Thymoma. Review status: no classification provided. Collection method: in vitro. Allele origin: not applicable. Functional consequence: skipped exon, retained intron. Not counted in ClinVar's aggregate classification.

Dr. Peter K. Rogan Lab, Western University
No classification provided (evidence only). Condition: Gastric cancer. Review status: no classification provided. Collection method: in vitro. Allele origin: not applicable. Functional consequence: retained intron. Not counted in ClinVar's aggregate classification.

Dr. Peter K. Rogan Lab, Western University
No classification provided (evidence only). Condition: Lung cancer. Review status: no classification provided. Collection method: in vitro. Allele origin: not applicable. Functional consequence: retained intron. Not counted in ClinVar's aggregate classification.

Dr. Peter K. Rogan Lab, Western University
No classification provided (evidence only). Condition: Melanoma. Review status: no classification provided. Collection method: in vitro. Allele origin: not applicable. Functional consequence: retained intron. Not counted in ClinVar's aggregate classification.

Dr. Peter K. Rogan Lab, Western University
No classification provided (evidence only). Condition: Melanoma. Review status: no classification provided. Collection method: in vitro. Allele origin: not applicable. Functional consequence: skipped exon, retained intron. Not counted in ClinVar's aggregate classification.

Dr. Peter K. Rogan Lab, Western University
No classification provided (evidence only). Condition: Colon adenocarcinoma. Review status: no classification provided. Collection method: in vitro. Allele origin: not applicable. Functional consequence: retained intron. Not counted in ClinVar's aggregate classification.

Dr. Peter K. Rogan Lab, Western University
No classification provided (evidence only). Condition: Colon adenocarcinoma. Review status: no classification provided. Collection method: in vitro. Allele origin: not applicable. Functional consequence: retained intron. Not counted in ClinVar's aggregate classification.

Dr. Peter K. Rogan Lab, Western University
No classification provided (evidence only). Condition: Sarcoma. Review status: no classification provided. Collection method: in vitro. Allele origin: not applicable. Functional consequence: retained intron. Not counted in ClinVar's aggregate classification.

Dr. Peter K. Rogan Lab, Western University
No classification provided (evidence only). Condition: Malignant lymphoma, large B-cell, diffuse. Review status: no classification provided. Collection method: in vitro. Allele origin: not applicable. Functional consequence: skipped exon. Not counted in ClinVar's aggregate classification.

Dr. Peter K. Rogan Lab, Western University
No classification provided (evidence only). Condition: Ovarian serous cystadenocarcinoma. Review status: no classification provided. Collection method: in vitro. Allele origin: not applicable. Functional consequence: retained intron. Not counted in ClinVar's aggregate classification.

Dr. Peter K. Rogan Lab, Western University
No classification provided (evidence only). Condition: Ovarian serous cystadenocarcinoma. Review status: no classification provided. Collection method: in vitro. Allele origin: not applicable. Functional consequence: retained intron. Not counted in ClinVar's aggregate classification.

Dr. Peter K. Rogan Lab, Western University
No classification provided (evidence only). Condition: Gastric cancer. Review status: no classification provided. Collection method: in vitro. Allele origin: not applicable. Functional consequence: retained intron. Not counted in ClinVar's aggregate classification.

Dr. Peter K. Rogan Lab, Western University
No classification provided (evidence only). Condition: Malignant tumor of esophagus. Review status: no classification provided. Collection method: in vitro. Allele origin: not applicable. Functional consequence: skipped exon, retained intron. Not counted in ClinVar's aggregate classification.

Dr. Peter K. Rogan Lab, Western University
No classification provided (evidence only). Condition: Lung cancer. Review status: no classification provided. Collection method: in vitro. Allele origin: not applicable. Functional consequence: retained intron. Not counted in ClinVar's aggregate classification.

Dr. Peter K. Rogan Lab, Western University
No classification provided (evidence only). Condition: Lung cancer. Review status: no classification provided. Collection method: in vitro. Allele origin: not applicable. Functional consequence: skipped exon, retained intron. Not counted in ClinVar's aggregate classification.

Dr. Peter K. Rogan Lab, Western University
No classification provided (evidence only). Condition: Melanoma. Review status: no classification provided. Collection method: in vitro. Allele origin: not applicable. Functional consequence: retained intron. Not counted in ClinVar's aggregate classification.

Dr. Peter K. Rogan Lab, Western University
No classification provided (evidence only). Condition: Acute myeloid leukemia. Review status: no classification provided. Collection method: in vitro. Allele origin: not applicable. Functional consequence: retained intron. Not counted in ClinVar's aggregate classification.

Dr. Peter K. Rogan Lab, Western University
No classification provided (evidence only). Condition: Colon adenocarcinoma. Review status: no classification provided. Collection method: in vitro. Allele origin: not applicable. Functional consequence: retained intron. Not counted in ClinVar's aggregate classification.

Dr. Peter K. Rogan Lab, Western University
No classification provided (evidence only). Condition: Colorectal cancer. Review status: no classification provided. Collection method: in vitro. Allele origin: not applicable. Functional consequence: retained intron. Not counted in ClinVar's aggregate classification.

Dr. Peter K. Rogan Lab, Western University
No classification provided (evidence only). Condition: Malignant lymphoma, large B-cell, diffuse. Review status: no classification provided. Collection method: in vitro. Allele origin: not applicable. Functional consequence: skipped exon, retained intron. Not counted in ClinVar's aggregate classification.

Dr. Peter K. Rogan Lab, Western University
No classification provided (evidence only). Condition: Nonpapillary renal cell carcinoma. Review status: no classification provided. Collection method: in vitro. Allele origin: not applicable. Functional consequence: retained intron. Not counted in ClinVar's aggregate classification.

Dr. Peter K. Rogan Lab, Western University
No classification provided (evidence only). Condition: Gastric cancer. Review status: no classification provided. Collection method: in vitro. Allele origin: not applicable. Functional consequence: retained intron. Not counted in ClinVar's aggregate classification.

Dr. Peter K. Rogan Lab, Western University
No classification provided (evidence only). Condition: Gastric cancer. Review status: no classification provided. Collection method: in vitro. Allele origin: not applicable. Functional consequence: retained intron. Not counted in ClinVar's aggregate classification.

Dr. Peter K. Rogan Lab, Western University
No classification provided (evidence only). Condition: Malignant tumor of esophagus. Review status: no classification provided. Collection method: in vitro. Allele origin: not applicable. Functional consequence: skipped exon, retained intron. Not counted in ClinVar's aggregate classification.